The following is an entry in ClinVar:

ClinVar aggregate classification (germline): Uncertain significance (1 of 4 stars; one submission).

Conditions:
Spastic paraplegia. Identifiers: MedGen C0037772, HP:0001258.

Allele frequency attached by ClinVar (database versions not stated): gnomAD exomes 0.00001; ExAC 0.00002; gnomAD 0.00005 and 0.00006; TOPMed 0.00007; ESP Exome Variant Server 0.00015.
gnomAD v4.1: 17 of 1,612,492 alleles (0.0011%); highest among the groups gnomAD compares: African/African-American, 0.017%; no homozygotes.

Submission:

Labcorp Genetics (formerly Invitae), Labcorp
Classification: Uncertain significance for Spastic paraplegia. Last evaluated: 2024-12-02. Review status: criteria provided, single submitter. Criteria: Invitae Variant Classification Sherloc (09022015). Collection method: clinical testing. Allele origin: germline.
Comment: This sequence change replaces aspartic acid, which is acidic and polar, with asparagine, which is neutral and polar, at codon 1040 of the AP4E1 protein (p.Asp1040Asn). This variant is present in population databases (rs368578986, gnomAD 0.02%). This variant has not been reported in the literature in individuals affected with AP4E1-related conditions. ClinVar contains an entry for this variant (Variation ID: 1414316). An algorithm developed to predict the effect of missense changes on protein structure and function outputs the following: PolyPhen-2: "Benign". The asparagine amino acid residue is found in multiple mammalian species, which suggests that this missense change does not adversely affect protein function. In summary, the available evidence is currently insufficient to determine the role of this variant in disease. Therefore, it has been classified as a Variant of Uncertain Significance.

NM_007347.5(AP4E1):c.3118G>A (p.Asp1040Asn)

Gene: AP4E1 (adaptor related protein complex 4 subunit epsilon 1; plus strand). Cytogenetic location: 15q21.2.
Variant type: single nucleotide variant.
Coding change: c.3118G>A on transcript NM_007347.5 (MANE Select); coding-DNA position 3118, G replaced by A.
Protein change: p.Asp1040Asn; replaces aspartic acid 1040 with asparagine.
Molecular consequence: missense variant.
Genome position (GRCh38, 1-based): chr15:51,001,048, G>A. VCF-style: chr15-51001048-G-A. GRCh37 (hg19) VCF-style: chr15-51293245-G-A.
Other names: c.2893G>A, p.Asp965Asn (NM_001252127.2); short protein forms D1040N, D965N.
Identifiers: ClinVar variation 1414316 (VCV001414316.6), dbSNP rs368578986, ClinGen allele CA7559452.